The following is an entry in ClinVar:

NM_005148.4(UNC119):c.*385T>C

Gene: UNC119 (unc-119 lipid binding chaperone; minus strand). Cytogenetic location: 17q11.2.
Variant type: single nucleotide variant.
Coding change: c.*385T>C on transcript NM_005148.4 (MANE Select); 385 bases downstream of the stop codon, T replaced by C.
Molecular consequence: 3 prime UTR variant.
Genome position (GRCh38, 1-based): chr17:28,546,912, A>G on the plus strand (T>C on the coding strand, the complement: UNC119 is on the minus strand). VCF-style: chr17-28546912-A-G. GRCh37 (hg19) VCF-style: chr17-26873930-A-G.
Other names: c.*385T>C (NM_001330166.2); c.*712T>C (NM_054035.2).
Identifiers: ClinVar variation 322451 (VCV000322451.5), dbSNP rs541479092, ClinGen allele CA10648921.

ClinVar aggregate classification (germline): Likely benign (1 of 4 stars; one submission).

Conditions:
Cone-rod dystrophy. Also called: Cone/cone-rod dystrophy; Cone-rod degeneration. Identifiers: Orphanet 1872, MedGen C4085590, MONDO:0015993, HP:0000548.

Allele frequency attached by ClinVar (database versions not stated): gnomAD below 0.00001 and 0.00017; TOPMed 0.00002; 1000 Genomes Project 30x 0.00078; 1000 Genomes Project 0.00080; gnomAD exomes 0.00119.
gnomAD v4.1: 224 of 323,108 alleles (0.069%); highest among the groups gnomAD compares: South Asian, 0.56%; 1 homozygote.

Submission:

Illumina Laboratory Services, Illumina
Classification: Likely benign for Cone-rod dystrophy. Last evaluated: 2018-01-13. Review status: criteria provided, single submitter. Criteria: ICSL Variant Classification Criteria 13 December 2019. Collection method: clinical testing. Allele origin: germline.
Comment: This variant was observed in the ICSL laboratory as part of a predisposition screen in an ostensibly healthy population. It had not been previously curated by ICSL or reported in the Human Gene Mutation Database (HGMD: prior to June 1st, 2018), and was therefore a candidate for classification through an automated scoring system. Utilizing variant allele frequency, disease prevalence and penetrance estimates, and inheritance mode, an automated score was calculated to assess if this variant is too frequent to cause the disease. Based on the score and internal cut-off values, a variant classified as likely benign is not then subjected to further curation. The score for this variant resulted in a classification of likely benign for this disease.